The following is an entry in ClinVar:

ClinVar aggregate classification (germline): Likely benign. Review status: criteria provided, multiple submitters, no conflicts (2 of 4 stars). 4 submissions from 4 submitters: Likely benign (4). Last evaluated 2026-02-01.

Conditions:
Microcytic anemia with liver iron overload. Also called: Anemia, hypochromic microcytic, with iron overload 1. Identifiers: Orphanet 83642, MedGen C3806153, MONDO:0008787, OMIM 206100.

Allele frequency attached by ClinVar (database versions not stated): 1000 Genomes Project 30x 0.00047; 1000 Genomes Project 0.00060; TOPMed 0.00157; ESP Exome Variant Server 0.00200; gnomAD exomes 0.00222; ExAC 0.00252.
gnomAD v4.1: 4,478 of 1,614,038 alleles (0.28%); highest among the groups gnomAD compares: Non-Finnish European, 0.35%; 11 homozygotes.

Submissions (4):

CeGaT Center for Human Genetics Tuebingen
Classification: Likely benign. Last evaluated: 2026-02-01. Review status: criteria provided, single submitter. Criteria: CeGaT Center For Human Genetics Tuebingen Variant Classification Criteria Version 2. Collection method: clinical testing. Allele origin: germline. Affected: yes. Observed: 3 variant alleles.
Comment: SLC11A2: BS2

Labcorp Genetics (formerly Invitae), Labcorp
Classification: Likely benign. Last evaluated: 2026-01-06. Review status: criteria provided, single submitter. Criteria: Invitae Variant Classification Sherloc (09022015). Collection method: clinical testing. Allele origin: germline.

Illumina Laboratory Services, Illumina
Classification: Likely benign for Microcytic anemia with liver iron overload. Last evaluated: 2018-01-13. Review status: criteria provided, single submitter. Criteria: ICSL Variant Classification Criteria 13 December 2019. Collection method: clinical testing. Allele origin: germline.
Comment: This variant was observed in the ICSL laboratory as part of a predisposition screen in an ostensibly healthy population. It had not been previously curated by ICSL or reported in the Human Gene Mutation Database (HGMD: prior to June 1st, 2018), and was therefore a candidate for classification through an automated scoring system. Utilizing variant allele frequency, disease prevalence and penetrance estimates, and inheritance mode, an automated score was calculated to assess if this variant is too frequent to cause the disease. Based on the score and internal cut-off values, a variant classified as likely benign is not then subjected to further curation. The score for this variant resulted in a classification of likely benign for this disease.

Breakthrough Genomics
Classification: Likely benign. Review status: criteria provided, single submitter. Criteria: ACMG Guidelines, 2015. Collection method: not provided. Allele origin: germline. Inheritance: Autosomal recessive inheritance. Affected: yes.

NM_000617.3(SLC11A2):c.1303C>A (p.Leu435Ile)

Gene: SLC11A2 (solute carrier family 11 member 2; minus strand). Cytogenetic location: 12q13.12.
Variant type: single nucleotide variant.
Coding change: c.1303C>A on transcript NM_000617.3 (MANE Select); coding-DNA position 1303, C replaced by A.
Protein change: p.Leu435Ile; replaces leucine 435 with isoleucine.
Molecular consequence: missense variant. On other transcripts: non-coding transcript variant (5).
Genome position (GRCh38, 1-based): chr12:50,992,234, G>T on the plus strand (C>A on the coding strand, the complement: SLC11A2 is on the minus strand). VCF-style: chr12-50992234-G-T. GRCh37 (hg19) VCF-style: chr12-51386017-G-T.
Other names: c.1390C>A, p.Leu464Ile (NM_001174125.2, NM_001379446.1, NM_001379455.1); c.1303C>A, p.Leu435Ile (NM_001174126.2, NM_001174127.2, NM_001174128.2 and 5 more transcripts); c.1291C>A, p.Leu431Ile (NM_001174130.2, NM_001379448.1); c.1192C>A, p.Leu398Ile (NM_001414747.1, NM_001414748.1); c.1066C>A, p.Leu356Ile (NM_001414749.1, NM_001414750.1); short protein forms L431I, L435I, L464I, L356I, L398I.
Identifiers: ClinVar variation 881695 (VCV000881695.40), dbSNP rs144863268, ClinGen allele CA6566520.
Genomic context (GRCh38, chr12:50,992,234, plus strand): 5'-TCAGCTTCCTCCTCACCTGTAAGCTCTGTAGAACATTCAGAAAGTCATTCATCCCTGTTA[G>T]ATGCTCTACATCTTGGAAGACAGCAACAAGCAGAGTGGGGATGATGGCAATAGAGCGAGT-3'
Protein context (NP_000608.1, residues 425-445): LVAVFQDVEH[Leu435Ile]TGMNDFLNVL